The following is an entry in ClinVar:

NM_175876.5(EXOC8):c.1819G>C (p.Asp607His)

Gene: EXOC8 (exocyst complex component 8; minus strand). Cytogenetic location: 1q42.2.
Variant type: single nucleotide variant.
Coding change: c.1819G>C on transcript NM_175876.5 (MANE Select); coding-DNA position 1819, G replaced by C.
Protein change: p.Asp607His; replaces aspartic acid 607 with histidine.
Molecular consequence: missense variant.
Genome position (GRCh38, 1-based): chr1:231,335,927, C>G on the plus strand (G>C on the coding strand, the complement: EXOC8 is on the minus strand). VCF-style: chr1-231335927-C-G. GRCh37 (hg19) VCF-style: chr1-231471673-C-G.
Other names: short protein forms D607H.
Identifiers: ClinVar variation 1361829 (VCV001361829.7), dbSNP rs75215445, ClinGen allele CA1452280.

ClinVar aggregate classification (germline): Uncertain significance. Review status: criteria provided, multiple submitters, no conflicts (2 of 4 stars). 2 submissions from 2 submitters: Uncertain significance (2). Last evaluated 2025-11-12.

Conditions:
Neurodevelopmental disorder with microcephaly, seizures, and brain atrophy. Identifiers: MedGen C5436747, MONDO:0033662, OMIM 619076.

Allele frequency attached by ClinVar (database versions not stated): TOPMed 0.00094; gnomAD exomes 0.00185 and 0.00070; 1000 Genomes Project 0.00060; ESP Exome Variant Server 0.00062; gnomAD 0.00088 and 0.00090; ExAC 0.00063; 1000 Genomes Project 30x 0.00078.
gnomAD v4.1: 2,807 of 1,614,190 alleles (0.17%); highest among the groups gnomAD compares: Non-Finnish European, 0.23%; 7 homozygotes.

Submissions (2):

Labcorp Genetics (formerly Invitae), Labcorp
Classification: Uncertain significance. Last evaluated: 2025-11-12. Review status: criteria provided, single submitter. Criteria: Invitae Variant Classification Sherloc (09022015). Collection method: clinical testing. Allele origin: germline.
Comment: This sequence change replaces aspartic acid, which is acidic and polar, with histidine, which is basic and polar, at codon 607 of the EXOC8 protein (p.Asp607His). This variant is present in population databases (rs75215445, gnomAD 0.1%), and has an allele count higher than expected for a pathogenic variant. This variant has not been reported in the literature in individuals affected with EXOC8-related conditions. ClinVar contains an entry for this variant (Variation ID: 1361829). An algorithm developed to predict the effect of missense changes on protein structure and function (PolyPhen-2) suggests that this variant is likely to be disruptive. In summary, the available evidence is currently insufficient to determine the role of this variant in disease. Therefore, it has been classified as a Variant of Uncertain Significance.

Department of Pathology and Laboratory Medicine, Sinai Health System
Classification: Uncertain significance for Neurodevelopmental disorder with microcephaly, seizures, and brain atrophy. Last evaluated: 2023-02-24. Review status: criteria provided, single submitter. Criteria: ACMG Guidelines, 2015. Collection method: research. Allele origin: germline.